The following is an entry in ClinVar:

ClinVar aggregate classification (germline): Uncertain significance (1 of 4 stars; one submission).

Allele frequency attached by ClinVar (database versions not stated): TOPMed below 0.00001.
gnomAD v4.1: 3 of 1,614,028 alleles (0.00019%); highest among the groups gnomAD compares: African/African-American, 0.004%; no homozygotes.

Submission:

Labcorp Genetics (formerly Invitae), Labcorp
Classification: Uncertain significance. Last evaluated: 2025-06-25. Review status: criteria provided, single submitter. Criteria: Invitae Variant Classification Sherloc (09022015). Collection method: clinical testing. Allele origin: germline.
Comment: This sequence change replaces serine, which is neutral and polar, with alanine, which is neutral and non-polar, at codon 275 of the MYLK3 protein (p.Ser275Ala). This variant is present in population databases (no rsID available, gnomAD 0.01%). This variant has not been reported in the literature in individuals affected with MYLK3-related conditions. ClinVar contains an entry for this variant (Variation ID: 2104089). An algorithm developed to predict the effect of missense changes on protein structure and function (PolyPhen-2) suggests that this variant is likely to be tolerated. In summary, the available evidence is currently insufficient to determine the role of this variant in disease. Therefore, it has been classified as a Variant of Uncertain Significance.

NM_182493.3(MYLK3):c.823T>G (p.Ser275Ala)

Gene: MYLK3 (myosin light chain kinase 3; minus strand). Cytogenetic location: 16q11.2.
Variant type: single nucleotide variant.
Coding change: c.823T>G on transcript NM_182493.3 (MANE Select); coding-DNA position 823, T replaced by G.
Protein change: p.Ser275Ala; replaces serine 275 with alanine.
Molecular consequence: missense variant. On other transcripts: intron variant (1).
Genome position (GRCh38, 1-based): chr16:46,737,889, A>C on the plus strand (T>G on the coding strand, the complement: MYLK3 is on the minus strand). VCF-style: chr16-46737889-A-C. GRCh37 (hg19) VCF-style: chr16-46771801-A-C.
Other names: c.-23+2168T>G (NM_001308301.1); short protein forms S275A.
Identifiers: ClinVar variation 2104089 (VCV002104089.4), dbSNP rs763802175, ClinGen allele CA280235864.